The following is an entry in ClinVar:

NM_001184880.2(PCDH19):c.1488G>C (p.Gln496His)

Gene: PCDH19 (protocadherin 19; minus strand). Cytogenetic location: Xq22.1.
Variant type: single nucleotide variant.
Coding change: c.1488G>C on transcript NM_001184880.2 (MANE Select); coding-DNA position 1488, G replaced by C.
Protein change: p.Gln496His; replaces glutamine 496 with histidine.
Molecular consequence: missense variant.
Genome position (GRCh38, 1-based): chrX:100,407,110, C>G on the plus strand (G>C on the coding strand, the complement: PCDH19 is on the minus strand). VCF-style: chrX-100407110-C-G. GRCh37 (hg19) VCF-style: chrX-99662108-C-G.
Other names: c.1488G>C (NM_001184880.1); c.1488G>C, p.Gln496His (NM_001105243.2, NM_020766.3); short protein forms Q496H.
Identifiers: ClinVar variation 1346184 (VCV001346184.7), dbSNP rs2147538625, ClinGen allele CA414002621.
Genomic context (GRCh38, chrX:100,407,110, plus strand): 5'-GTAGATGTCGCCTGAGTTGGGATTGATGGAGACATAGGTGAAGACAGGCATGTCCCGCAC[C>G]TGCGACGGCACGATCTGGTAGGAGACACTGCCGTTGAGACCCAGGTCGGGGTCGCGAGCA-3'
Protein context (NP_001171809.1, residues 486-506): GSVSYQIVPS[Gln496His]VRDMPVFTYV

ClinVar aggregate classification (germline): Uncertain significance. Review status: criteria provided, multiple submitters, no conflicts (2 of 4 stars). 2 submissions from 2 submitters: Uncertain significance (2). Last evaluated 2025-12-16.

Conditions:
Developmental and epileptic encephalopathy, 9 (DEE9). Also called: JUBERG-HELLMAN SYNDROME; PCDH19-Related X-Linked Female-Limited Epilepsy with Mental Retardation; Early infantile epileptic encephalopathy 9; EPILEPSY, FEMALE-RESTRICTED, WITH MENTAL RETARDATION. Identifiers: Orphanet 101039, Orphanet 2076, MedGen C1848137, MONDO:0010246, OMIM 300088. Disease mechanism: loss of function.
Inborn genetic diseases. Identifiers: MedGen C0950123, MeSH D030342.

Submissions (2):

Ambry Genetics
Classification: Uncertain significance for Inborn genetic diseases. Last evaluated: 2025-12-16. Review status: criteria provided, single submitter. Criteria: Ambry Variant Classification Scheme 2023. Collection method: clinical testing. Allele origin: germline.

Labcorp Genetics (formerly Invitae), Labcorp
Classification: Uncertain significance for Developmental and epileptic encephalopathy, 9. Last evaluated: 2022-03-08. Review status: criteria provided, single submitter. Criteria: Invitae Variant Classification Sherloc (09022015). Collection method: clinical testing. Allele origin: germline.
Comment: In summary, the available evidence is currently insufficient to determine the role of this variant in disease. Therefore, it has been classified as a Variant of Uncertain Significance. This variant is not present in population databases (gnomAD no frequency). This variant has not been reported in the literature in individuals affected with PCDH19-related conditions. This sequence change replaces glutamine, which is neutral and polar, with histidine, which is basic and polar, at codon 496 of the PCDH19 protein (p.Gln496His). Advanced modeling of protein sequence and biophysical properties (such as structural, functional, and spatial information, amino acid conservation, physicochemical variation, residue mobility, and thermodynamic stability) performed at Invitae indicates that this missense variant is not expected to disrupt PCDH19 protein function.